The following is an entry in ClinVar:

NM_001127222.2(CACNA1A):c.6493C>T (p.Arg2165Cys)

Gene: CACNA1A (calcium voltage-gated channel subunit alpha1 A; minus strand). Cytogenetic location: 19p13.13.
Variant type: single nucleotide variant.
Coding change: c.6493C>T on transcript NM_001127222.2 (MANE Select); coding-DNA position 6493, C replaced by T.
Protein change: p.Arg2165Cys; replaces arginine 2165 with cysteine.
Molecular consequence: missense variant.
Genome position (GRCh38, 1-based): chr19:13,209,345, G>A on the plus strand (C>T on the coding strand, the complement: CACNA1A is on the minus strand). VCF-style: chr19-13209345-G-A. GRCh37 (hg19) VCF-style: chr19-13320159-G-A.
Other names: c.6511C>T, p.Arg2171Cys (NM_000068.4, NM_023035.3); c.6496C>T, p.Arg2166Cys (NM_001127221.2); c.6502C>T, p.Arg2168Cys (NM_001174080.2); short protein forms R2165C, R2166C, R2168C, R2171C.
Identifiers: ClinVar variation 864472 (VCV000864472.5), dbSNP rs746582303, ClinGen allele CA9239344.

ClinVar aggregate classification (germline): Conflicting classifications of pathogenicity. Review status: criteria provided, conflicting classifications (1 of 4 stars). 3 submissions from 3 submitters: Likely pathogenic (1); Uncertain significance (1); Likely benign (1). Last evaluated 2025-03-09.

Conditions:
Developmental and epileptic encephalopathy, 42 (DEE42A). Also called: DEVELOPMENTAL AND EPILEPTIC ENCEPHALOPATHY 42A; EPILEPTIC ENCEPHALOPATHY, EARLY INFANTILE, 42A; Epileptic encephalopathy, early infantile, 42. Identifiers: MedGen C4310716, MONDO:0014917, OMIM 617106.
Episodic ataxia type 2 (EA2). Also called: ACETAZOLAMIDE-RESPONSIVE HEREDITARY PAROXYSMAL CEREBELLAR ATAXIA; ATAXIA, EPISODIC, WITH NYSTAGMUS; ATAXIA, FAMILIAL PAROXYSMAL; CEREBELLAR ATAXIA, PAROXYSMAL, ACETAZOLAMIDE-RESPONSIVE; CEREBELLOPATHY, HEREDITARY PAROXYSMAL; EPISODIC ATAXIA, NYSTAGMUS-ASSOCIATED. Identifiers: Orphanet 97, MedGen C1720416, MONDO:0007163, OMIM 108500.
Inborn genetic diseases. Identifiers: MedGen C0950123, MeSH D030342.
Migraine, familial hemiplegic, 1. Also called: MIGRAINE, FAMILIAL HEMIPLEGIC 1, WITH PROGRESSIVE CEREBELLAR ATAXIA. Identifiers: Orphanet 569, MedGen C1832884, MONDO:0020756, OMIM 141500, MONDO:0007714.

Allele frequency attached by ClinVar (database versions not stated): TOPMed 0.00002; gnomAD 0.00001; gnomAD exomes 0.00001 and 0.00002.
gnomAD v4.1: 12 of 1,389,888 alleles (0.00086%); highest among the groups gnomAD compares: East Asian, 0.011%; no homozygotes.

Submissions (3):

Labcorp Genetics (formerly Invitae), Labcorp
Classification: Likely benign for Developmental and epileptic encephalopathy, 42; Episodic ataxia type 2. Last evaluated: 2025-03-09. Review status: criteria provided, single submitter. Criteria: Invitae Variant Classification Sherloc (09022015). Collection method: clinical testing. Allele origin: germline.

Ambry Genetics
Classification: Uncertain significance for Inborn genetic diseases. Last evaluated: 2023-07-25. Review status: criteria provided, single submitter. Criteria: Ambry Variant Classification Scheme 2023. Collection method: clinical testing. Allele origin: germline.

Department of Traditional Chinese Medicine, Fujian Provincial Hospital
Classification: Likely pathogenic for Episodic ataxia type 2; Migraine, familial hemiplegic, 1. Review status: criteria provided, single submitter. Criteria: ACMG Guidelines, 2015. Collection method: research. Allele origin: germline. Affected: yes. Observed: 2 variant alleles, 2 heterozygotes. Clinical features observed: Migraine (HP:0002076), Limb muscle weakness (HP:0003690), Vertigo (HP:0002321), Hereditary episodic ataxia (HP:0002131).
Comment: The missense variant c.6493C>T (p.Arg2165Cys) in the CACNA1A gene is classified as Likely Pathogenic. The ACMG evidence is specified as follows: 1. PM2: The frequency of this variant is extremely low in population data: 0.00001 in gnomAD exomes, 0.00001 in gnomAD genomes, and 0.00002 in TOPMed. 2. .PP1: This variant co-segregates with disease phenotypes in several families. 3. PP2: The missense constraint Z-score for the CACNA1A gene is 3.95, exceeding the threshold of 3.09, indicating that the gene is highly intolerant of missense variation. Combined with the fact that CACNA1A is a known causative gene for FHM1 and EA2, this supports PP2. 4. PP3: Bioinformatics prediction results show a REVEL score of 0.591 and a PolyPhen-2 score of 0.972, supporting PP3. 5. PP4: The clinical manifestations of patients carrying this variant (such as migraine, vertigo and ataxia) are highly specific to the typical phenotype of EA2 and FHM1 (refer to the OMIM phenotype description in the report).

Literature cited by the submitters: PubMed 40906262 (cited by Department of Traditional Chinese Medicine, Fujian Provincial Hospital); PubMed 35655070 (cited by Department of Traditional Chinese Medicine, Fujian Provincial Hospital).